The following is an entry in ClinVar:

NM_133642.5(LARGE1):c.1308G>C (p.Glu436Asp)

Gene: LARGE1 (LARGE xylosyl- and glucuronyltransferase 1; minus strand). Cytogenetic location: 22q12.3.
Variant type: single nucleotide variant.
Coding change: c.1308G>C on transcript NM_133642.5 (MANE Select); coding-DNA position 1308, G replaced by C.
Protein change: p.Glu436Asp; replaces glutamic acid 436 with aspartic acid.
Molecular consequence: missense variant.
Genome position (GRCh38, 1-based): chr22:33,316,228, C>G on the plus strand (G>C on the coding strand, the complement: LARGE1 is on the minus strand). VCF-style: chr22-33316228-C-G. GRCh37 (hg19) VCF-style: chr22-33712214-C-G.
Other names: p.Glu436Asp; c.1308G>C (NM_004737.6); c.1308G>C, p.Glu436Asp (NM_001362949.2, NM_001362951.2, NM_001362953.2 and 6 more transcripts); c.1152G>C, p.Glu384Asp (NM_001378629.1); c.705G>C, p.Glu235Asp (NM_001378630.1); c.549G>C, p.Glu183Asp (NM_001378631.1); short protein forms E183D, E235D, E384D, E436D.
Identifiers: ClinVar variation 2140960 (VCV002140960.3), dbSNP rs2546686008, ClinGen allele CA411541478.

ClinVar aggregate classification (germline): Uncertain significance. Review status: criteria provided, multiple submitters, no conflicts (2 of 4 stars). 2 submissions from 2 submitters: Uncertain significance (2). Last evaluated 2024-08-19.

Conditions:
Muscular dystrophy-dystroglycanopathy type B6 (MDDGB6). Also called: MUSCULAR DYSTROPHY, CONGENITAL, LARGE-RELATED; MUSCULAR DYSTROPHY, CONGENITAL, TYPE 1D; MUSCULAR DYSTROPHY-DYSTROGLYCANOPATHY (CONGENITAL WITH IMPAIRED INTELLECTUAL DEVELOPMENT), TYPE B, 6. Identifiers: MedGen C1837229, MONDO:0012138, OMIM 608840.

Submissions (2):

Mayo Clinic Laboratories, Mayo Clinic
Classification: Uncertain significance. Last evaluated: 2024-08-19. Review status: criteria provided, single submitter. Criteria: ACMG Guidelines, 2015. Collection method: clinical testing. Allele origin: germline. Observed: 1 variant allele.
Comment: BP4, PM2

Labcorp Genetics (formerly Invitae), Labcorp
Classification: Uncertain significance for Muscular dystrophy-dystroglycanopathy type B6. Last evaluated: 2022-01-05. Review status: criteria provided, single submitter. Criteria: Invitae Variant Classification Sherloc (09022015). Collection method: clinical testing. Allele origin: germline.
Comment: Algorithms developed to predict the effect of missense changes on protein structure and function (SIFT, PolyPhen-2, Align-GVGD) all suggest that this variant is likely to be tolerated. This variant has not been reported in the literature in individuals affected with LARGE1-related conditions. This variant is not present in population databases (gnomAD no frequency). This sequence change replaces glutamic acid, which is acidic and polar, with aspartic acid, which is acidic and polar, at codon 436 of the LARGE1 protein (p.Glu436Asp). In summary, the available evidence is currently insufficient to determine the role of this variant in disease. Therefore, it has been classified as a Variant of Uncertain Significance.